The following is an entry in ClinVar:

NC_000012.11:g.(?_133202693)_(133263901_?)del

Gene: POLE (DNA polymerase epsilon, catalytic subunit; minus strand). Cytogenetic location: 12q24.33.
Variant type: Deletion.
Identifiers: ClinVar variation 1440521 (VCV001440521.7).

ClinVar aggregate classification (germline): Pathogenic (1 of 4 stars; one submission).

Submission:

Labcorp Genetics (formerly Invitae), Labcorp
Classification: Pathogenic. Last evaluated: 2022-05-12. Review status: criteria provided, single submitter. Criteria: Invitae Variant Classification Sherloc (09022015). Collection method: clinical testing. Allele origin: germline.
Comment: This variant is a gross deletion of the genomic region encompassing exon(s) 1-46 of the POLE gene, which includes the initiator codon. This deletion extends beyond the assayed region for this gene and therefore may encompass additional genes. It is expected to result in an absent or disrupted protein product. Loss-of-function variants in POLE are known to be pathogenic (PMID: 23230001, 25948378, 30503519). This variant has not been reported in the literature in individuals affected with POLE-related conditions. For these reasons, this variant has been classified as Pathogenic.

Literature cited by the submitters: PubMed 23230001; PubMed 25948378; PubMed 30503519.